The following is an entry in ClinVar:

NM_001291415.2(KDM6A):c.3853T>C (p.Trp1285Arg)

Gene: KDM6A (lysine demethylase 6A; plus strand). Cytogenetic location: Xp11.3.
Variant type: single nucleotide variant.
Coding change: c.3853T>C on transcript NM_001291415.2 (MANE Select); coding-DNA position 3853, T replaced by C.
Protein change: p.Trp1285Arg; replaces tryptophan 1285 with arginine.
Molecular consequence: missense variant. On other transcripts: non-coding transcript variant (1).
Genome position (GRCh38, 1-based): chrX:45,089,891, T>C. VCF-style: chrX-45089891-T-C. GRCh37 (hg19) VCF-style: chrX-44949136-T-C.
Other names: c.3718T>C, p.Trp1240Arg (NM_001291416.2, NM_001419811.1); c.3562T>C, p.Trp1188Arg (NM_001291417.2); c.3460T>C, p.Trp1154Arg (NM_001291418.2, NM_001419815.1); c.2809T>C, p.Trp937Arg (NM_001291421.2); c.3595T>C, p.Trp1199Arg (NM_001410742.1, NM_001419814.1); c.3853T>C, p.Trp1285Arg (NM_001419809.1); c.3751T>C, p.Trp1251Arg (NM_001419810.1, NM_001419813.1); c.3697T>C, p.Trp1233Arg (NM_001419812.1, NM_021140.4); short protein forms W1154R, W1188R, W1199R, W1233R, W1240R, W1251R, W1285R, W937R.
Identifiers: ClinVar variation 4072588 (VCV004072588.1).
Genomic context (GRCh38, chrX:45,089,891, plus strand): 5'-CGACCTGGAGATTTGGTCTGGATAAATGCAGGCACTGTTCATTGGGTTCAGGCTATTGGC[T>C]GGTGCAACAACATTGCTTGGAATGTTGGTCCACTTACAGGTATTATAAAGAATATGCTTT-3'
Protein context (NP_001278344.1, residues 1275-1295): GTVHWVQAIG[Trp1285Arg]CNNIAWNVGP

ClinVar aggregate classification (germline): Uncertain significance (1 of 4 stars; one submission).

Submission:

GeneDx
Classification: Uncertain significance. Last evaluated: 2025-01-29. Review status: criteria provided, single submitter. Criteria: GeneDx Variant Classification Process June 2021. Collection method: clinical testing. Allele origin: germline. Affected: yes.
Comment: Not observed at significant frequency in large population cohorts (gnomAD); In silico analysis supports that this missense variant has a deleterious effect on protein structure/function; Has not been previously published as pathogenic or benign to our knowledge